The following is an entry in ClinVar:

ClinVar aggregate classification (germline): Pathogenic (1 of 4 stars; one submission).

Submission:

Labcorp Genetics (formerly Invitae), Labcorp
Classification: Pathogenic. Last evaluated: 2022-04-16. Review status: criteria provided, single submitter. Criteria: Invitae Variant Classification Sherloc (09022015). Collection method: clinical testing. Allele origin: germline.
Comment: For these reasons, this variant has been classified as Pathogenic. Algorithms developed to predict the effect of sequence changes on RNA splicing suggest that this variant may create or strengthen a splice site. This variant has not been reported in the literature in individuals affected with HPS3-related conditions. This variant is not present in population databases (gnomAD no frequency). This sequence change creates a premature translational stop signal (p.Arg103Cysfs*9) in the HPS3 gene. It is expected to result in an absent or disrupted protein product. Loss-of-function variants in HPS3 are known to be pathogenic (PMID: 11590544).

Literature cited by the submitters: PubMed 11590544.

NM_032383.5(HPS3):c.306_307del (p.Arg103fs)

Gene: HPS3 (HPS3 biogenesis of lysosomal organelles complex 2 subunit 1; plus strand). Cytogenetic location: 3q24.
Variant type: Microsatellite.
Coding change: c.306_307del on transcript NM_032383.5 (MANE Select); coding-DNA positions 306 to 307, 2 bases deleted (TC; older notation c.306_307delTC).
Protein change: p.Arg103fs; shifts the reading frame from arginine 103.
Molecular consequence: frameshift variant. On other transcripts: intron variant (1).
Genome position (GRCh38, 1-based): chr3:149,140,092-149,140,093, TC deleted; deleting any 2 consecutive bases within chr3:149,140,089-149,140,093 gives the same sequence; the c. name uses the placement nearest the transcript's 3' end. VCF-style (leftmost placement, unchanged base first): chr3-149140088-ACT-A. GRCh37 (hg19) VCF-style: chr3-148857875-ACT-A.
Other names: c.218-925_218-924del (NM_001308258.2); short protein forms R103fs.
Identifiers: ClinVar variation 1453543 (VCV001453543.6), dbSNP rs2108127864, ClinGen allele CA2580615989.
Genomic context (GRCh38, chr3:149,140,088, plus strand): 5'-AGAAAAACAAAGCTACATTTCTACGTGCTTATGTGAACTGGAGAAATAAAAGGACTGAAA[ACT>A]CTCGTGTGTGTATCCGAATGATTGGGCATAATGTGGAGGGACCATTCAGCAAAGCCTTCA-3'